The following is an entry in ClinVar:

NM_006031.6(PCNT):c.9624-222T>C

Gene: PCNT (pericentrin; plus strand). Cytogenetic location: 21q22.3.
Variant type: single nucleotide variant.
Coding change: c.9624-222T>C on transcript NM_006031.6 (MANE Select); 222 bases into the intron before coding-DNA position 9624, T replaced by C.
Molecular consequence: intron variant.
Genome position (GRCh38, 1-based): chr21:46,442,275, T>C. VCF-style: chr21-46442275-T-C. GRCh37 (hg19) VCF-style: chr21-47862188-T-C.
Other names: c.9033-222T>C (NM_001315529.2).
Identifiers: ClinVar variation 667801 (VCV000667801.1), dbSNP rs10854482, ClinGen allele CA14875684.

ClinVar aggregate classification (germline): Benign (1 of 4 stars; one submission).

Allele frequency attached by ClinVar (database versions not stated): 1000 Genomes Project 0.80711; 1000 Genomes Project 30x 0.80871; gnomAD 0.81675 and 0.82001; TOPMed 0.82078.
gnomAD v4.1: 124,035 of 151,974 alleles (82%); highest among the groups gnomAD compares: African/African-American, 89%; 50,902 homozygotes.

Submission:

GeneDx
Classification: Benign. Last evaluated: 2018-06-16. Review status: criteria provided, single submitter. Criteria: GeneDx Variant Classification (06012015). Collection method: clinical testing. Allele origin: germline. Affected: yes.
Comment: This variant is considered likely benign or benign based on one or more of the following criteria: it is a conservative change, it occurs at a poorly conserved position in the protein, it is predicted to be benign by multiple in silico algorithms, and/or has population frequency not consistent with disease.